The following is an entry in ClinVar:

ClinVar aggregate classification (germline): Uncertain significance (1 of 4 stars; one submission).

Submission:

Ambry Genetics
Classification: Uncertain significance. Last evaluated: 2024-08-30. Review status: criteria provided, single submitter. Criteria: Ambry Variant Classification Scheme 2023. Collection method: clinical testing. Allele origin: germline.
Comment: The p.L1047F variant (also known as c.3141G>T), located in coding exon 28 of the KIF1B gene, results from a G to T substitution at nucleotide position 3141. The leucine at codon 1047 is replaced by phenylalanine, an amino acid with highly similar properties. This amino acid position is conserved. In addition, this alteration is predicted to be tolerated by in silico analysis. Based on the available evidence, the clinical significance of this variant remains unclear.

NM_001365951.3(KIF1B):c.3279G>T (p.Leu1093Phe)

Gene: KIF1B (kinesin family member 1B; plus strand). Cytogenetic location: 1p36.22.
Variant type: single nucleotide variant.
Coding change: c.3279G>T on transcript NM_001365951.3 (MANE Select); coding-DNA position 3279, G replaced by T.
Protein change: p.Leu1093Phe; replaces leucine 1093 with phenylalanine.
Molecular consequence: missense variant.
Genome position (GRCh38, 1-based): chr1:10,337,390, G>T. VCF-style: chr1-10337390-G-T. GRCh37 (hg19) VCF-style: chr1-10397448-G-T.
Other names: c.3279G>T, p.Leu1093Phe (NM_001365952.1); c.3141G>T, p.Leu1047Phe (NM_015074.3); short protein forms L1093F, L1047F.
Identifiers: ClinVar variation 3533995 (VCV003533995.1).
Genomic context (GRCh38, chr1:10,337,390, plus strand): 5'-CATTATTTGAACCATCTGTGTCTTCATTTGACCCTCTTTAGATTTGAAGTCAAGCACTTT[G>T]CTGGATGGTAAGATGGTAATGGAAGGGTTTTCTGAAGAGATTGGCAACCACCTGAAACTG-3'
Protein context (NP_001352880.1, residues 1083-1103): INDLDLKSST[Leu1093Phe]LDGKMVMEGF